The following is an entry in ClinVar:

NM_000051.4(ATM):c.896A>T (p.Glu299Val)

Gene: ATM (ATM serine/threonine kinase; plus strand). Cytogenetic location: 11q22.3.
Variant type: single nucleotide variant.
Coding change: c.896A>T on transcript NM_000051.4 (MANE Select); coding-DNA position 896, A replaced by T.
Protein change: p.Glu299Val; replaces glutamic acid 299 with valine.
Molecular consequence: missense variant.
Genome position (GRCh38, 1-based): chr11:108,245,021, A>T. VCF-style: chr11-108245021-A-T. GRCh37 (hg19) VCF-style: chr11-108115748-A-T.
Other names: c.896A>T, p.Glu299Val (NM_001351834.2); short protein forms E299V.
Identifiers: ClinVar variation 863354 (VCV000863354.12), dbSNP rs587779876, ClinGen allele CA382529635.

ClinVar aggregate classification (germline): Uncertain significance. Review status: criteria provided, multiple submitters, no conflicts (2 of 4 stars). 3 submissions from 3 submitters: Uncertain significance (3). Last evaluated 2025-10-08.

Conditions:
Ataxia-telangiectasia syndrome (AT). Also called: LOUIS-BAR SYNDROME; Ataxia telangiectasia (A-T); Ataxia-telangiectasia, complementation group D; Cerebello-oculocutaneous telangiectasia; Immunodeficiency with ataxia telangiectasia; Ataxia-telangiectasia. Identifiers: Orphanet 100, MedGen C0004135, MONDO:0008840, OMIM 208900.
Hereditary cancer-predisposing syndrome. Also called: Tumor predisposition; Hereditary Cancer Syndrome; Neoplastic Syndromes, Hereditary; Hereditary neoplastic syndrome. Identifiers: Orphanet 140162, MedGen C0027672, MeSH D009386, MONDO:0015356.

Submissions (3):

Ambry Genetics
Classification: Uncertain significance for Hereditary cancer-predisposing syndrome. Last evaluated: 2025-10-08. Review status: criteria provided, single submitter. Criteria: Ambry Variant Classification Scheme 2023. Collection method: clinical testing. Allele origin: germline.
Comment: The p.E299V variant (also known as c.896A>T), located in coding exon 6 of the ATM gene, results from an A to T substitution at nucleotide position 896. The glutamic acid at codon 299 is replaced by valine, an amino acid with dissimilar properties. This amino acid position is not well conserved in available vertebrate species. In addition, this alteration is predicted to be tolerated by in silico analysis. Based on the available evidence, the clinical significance of this variant remains unclear.

Labcorp Genetics (formerly Invitae), Labcorp
Classification: Uncertain significance for Ataxia-telangiectasia syndrome. Last evaluated: 2022-08-16. Review status: criteria provided, single submitter. Criteria: Invitae Variant Classification Sherloc (09022015). Collection method: clinical testing. Allele origin: germline.
Comment: In summary, the available evidence is currently insufficient to determine the role of this variant in disease. Therefore, it has been classified as a Variant of Uncertain Significance. This sequence change replaces glutamic acid, which is acidic and polar, with valine, which is neutral and non-polar, at codon 299 of the ATM protein (p.Glu299Val). This variant is not present in population databases (gnomAD no frequency). This variant has not been reported in the literature in individuals affected with ATM-related conditions. ClinVar contains an entry for this variant (Variation ID: 863354). Advanced modeling of protein sequence and biophysical properties (such as structural, functional, and spatial information, amino acid conservation, physicochemical variation, residue mobility, and thermodynamic stability) performed at Invitae indicates that this missense variant is not expected to disrupt ATM protein function. Algorithms developed to predict the effect of sequence changes on RNA splicing suggest that this variant may create or strengthen a splice site.

Sema4
Classification: Uncertain significance for Hereditary cancer-predisposing syndrome. Last evaluated: 2021-11-26. Review status: criteria provided, single submitter. Criteria: Sema4 Curation Guidelines. Collection method: curation. Allele origin: germline.
Comment: The ATM c.896A>T (p.E299V) variant has not been reported in the literature to our knowledge. It was not observed in the large and broad cohorts of the Genome Aggregation Database (PMID: 32461654). The variant has been reported in ClinVar (Variation ID: 863354). Functional studies have not been performed, and in silico predictions of the variant's effect on protein function are inconclusive. The evidence is insufficient to meet ACMG/AMP criteria for classifying the variant as benign or pathogenic. Thus, the clinical significance of this variant is currently uncertain.